The following is an entry in ClinVar:

ClinVar aggregate classification (germline): Pathogenic (1 of 4 stars; one submission).

Submission:

Labcorp Genetics (formerly Invitae), Labcorp
Classification: Pathogenic. Last evaluated: 2023-02-19. Review status: criteria provided, single submitter. Criteria: Invitae Variant Classification Sherloc (09022015). Collection method: clinical testing. Allele origin: unknown.
Comment: This variant is a gross deletion of the genomic region encompassing exon(s) 5-17 of the KIF11 gene. This deletion is out-of-frame, and is expected to create a premature termination codon and result in an absent or disrupted protein product. Loss-of-function variants in KIF11 are known to be pathogenic (PMID: 22284827, 24281367). This variant has not been reported in the literature in individuals affected with KIF11-related conditions. For these reasons, this variant has been classified as Pathogenic.

Literature cited by the submitters: PubMed 22284827; PubMed 24281367.

NC_000010.10:g.(?_94368757)_(94399677_?)del

Gene: KIF11 (kinesin family member 11; plus strand). Cytogenetic location: 10q23.33.
Variant type: Deletion.
Identifiers: ClinVar variation 3244969 (VCV003244969.1).